The following is an entry in ClinVar:

ClinVar aggregate classification (germline): Uncertain significance (1 of 4 stars; one submission).

Conditions:
Pitt-Hopkins-like syndrome 2 (PTHSL2). Identifiers: Orphanet 221150, Orphanet 600663, MedGen C3280479, MONDO:0013690, OMIM 614325.

Submission:

Labcorp Genetics (formerly Invitae), Labcorp
Classification: Uncertain significance for Pitt-Hopkins-like syndrome 2. Last evaluated: 2023-02-21. Review status: criteria provided, single submitter. Criteria: Invitae Variant Classification Sherloc (09022015). Collection method: clinical testing. Allele origin: germline.
Comment: In summary, the available evidence is currently insufficient to determine the role of this variant in disease. Therefore, it has been classified as a Variant of Uncertain Significance. An algorithm developed to predict the effect of missense changes on protein structure and function (PolyPhen-2) suggests that this variant is likely to be disruptive. This variant has not been reported in the literature in individuals affected with NRXN1-related conditions. This variant is not present in population databases (gnomAD no frequency). This sequence change replaces lysine, which is basic and polar, with asparagine, which is neutral and polar, at codon 1063 of the NRXN1 protein (p.Lys1063Asn).

NM_001330078.2(NRXN1):c.3069G>C (p.Lys1023Asn)

Gene: NRXN1 (neurexin 1; minus strand). Cytogenetic location: 2p16.3.
Variant type: single nucleotide variant.
Coding change: c.3069G>C on transcript NM_001330078.2 (MANE Select); coding-DNA position 3069, G replaced by C.
Protein change: p.Lys1023Asn; replaces lysine 1023 with asparagine.
Molecular consequence: missense variant.
Genome position (GRCh38, 1-based): chr2:50,495,906, C>G on the plus strand (G>C on the coding strand, the complement: NRXN1 is on the minus strand). VCF-style: chr2-50495906-C-G. GRCh37 (hg19) VCF-style: chr2-50723044-C-G.
Other names: c.3189G>C, p.Lys1063Asn (NM_001135659.3); c.3045G>C, p.Lys1015Asn (NM_001330077.2, NM_001330082.2); c.3003G>C, p.Lys1001Asn (NM_001330083.2, NM_001330084.2); c.3042G>C, p.Lys1014Asn (NM_001330085.2); c.3069G>C, p.Lys1023Asn (NM_001330086.2, NM_004801.6); c.2958G>C, p.Lys986Asn (NM_001330087.2, NM_001330096.2); c.2988G>C, p.Lys996Asn (NM_001330088.2); c.3066G>C, p.Lys1022Asn (NM_001330093.2); and 2 more; short protein forms K1006N, K1023N, K1015N, K1022N, K1063N, K996N, K1001N, K1019N.
Identifiers: ClinVar variation 2839561 (VCV002839561.3), dbSNP rs2468897596, ClinGen allele CA346776233.